The following is an entry in ClinVar:

ClinVar aggregate classification (germline): Uncertain significance (1 of 4 stars; one submission).

Allele frequency attached by ClinVar (database versions not stated): TOPMed below 0.00001; ExAC 0.00002.
gnomAD v4.1: 10 of 1,614,046 alleles (0.00062%); highest among the groups gnomAD compares: East Asian, 0.02%; no homozygotes.

Submission:

Labcorp Genetics (formerly Invitae), Labcorp
Classification: Uncertain significance. Last evaluated: 2023-07-18. Review status: criteria provided, single submitter. Criteria: Invitae Variant Classification Sherloc (09022015). Collection method: clinical testing. Allele origin: germline.
Comment: Advanced modeling of protein sequence and biophysical properties (such as structural, functional, and spatial information, amino acid conservation, physicochemical variation, residue mobility, and thermodynamic stability) performed at Invitae indicates that this missense variant is not expected to disrupt WNT5A protein function. In summary, the available evidence is currently insufficient to determine the role of this variant in disease. Therefore, it has been classified as a Variant of Uncertain Significance. This variant has not been reported in the literature in individuals affected with WNT5A-related conditions. This variant is present in population databases (rs752974227, gnomAD 0.01%). This sequence change replaces arginine, which is basic and polar, with leucine, which is neutral and non-polar, at codon 311 of the WNT5A protein (p.Arg311Leu).

NM_003392.7(WNT5A):c.932G>T (p.Arg311Leu)

Gene: WNT5A (Wnt family member 5A; minus strand). Cytogenetic location: 3p14.3.
Variant type: single nucleotide variant.
Coding change: c.932G>T on transcript NM_003392.7 (MANE Select); coding-DNA position 932, G replaced by T.
Protein change: p.Arg311Leu; replaces arginine 311 with leucine.
Molecular consequence: missense variant.
Genome position (GRCh38, 1-based): chr3:55,470,303, C>A on the plus strand (G>T on the coding strand, the complement: WNT5A is on the minus strand). VCF-style: chr3-55470303-C-A. GRCh37 (hg19) VCF-style: chr3-55504331-C-A.
Other names: c.887G>T, p.Arg296Leu (NM_001377271.1, NM_001377272.1, NM_001256105.1); short protein forms R311L, R296L.
Identifiers: ClinVar variation 2976184 (VCV002976184.3), dbSNP rs752974227, ClinGen allele CA2458934.